The following is an entry in ClinVar:

ClinVar aggregate classification (germline): Likely benign (1 of 4 stars; one submission).

Allele frequency attached by ClinVar (database versions not stated): gnomAD exomes 0.00001.
gnomAD v4.1: 8 of 1,613,888 alleles (0.0005%); highest among the groups gnomAD compares: Admixed American, 0.0017%; no homozygotes.

Submission:

CeGaT Center for Human Genetics Tuebingen
Classification: Likely benign. Last evaluated: 2022-07-01. Review status: criteria provided, single submitter. Criteria: CeGaT Center For Human Genetics Tuebingen Variant Classification Criteria Version 2. Collection method: clinical testing. Allele origin: germline. Affected: yes. Observed: 1 variant allele.
Comment: PRDM1: BP4

NM_001198.4(PRDM1):c.1207A>G (p.Ile403Val)

Gene: PRDM1 (PR/SET domain 1; plus strand). Cytogenetic location: 6q21.
Variant type: single nucleotide variant.
Coding change: c.1207A>G on transcript NM_001198.4 (MANE Select); coding-DNA position 1207, A replaced by G.
Protein change: p.Ile403Val; replaces isoleucine 403 with valine.
Molecular consequence: missense variant.
Genome position (GRCh38, 1-based): chr6:106,105,367, A>G. VCF-style: chr6-106105367-A-G. GRCh37 (hg19) VCF-style: chr6-106553242-A-G.
Other names: c.805A>G, p.Ile269Val (NM_182907.3); short protein forms I269V, I403V.
Identifiers: ClinVar variation 2656804 (VCV002656804.24), dbSNP rs1381680880, ClinGen allele CA365152659.